The following is an entry in ClinVar:

ClinVar aggregate classification (germline): Uncertain significance (1 of 4 stars; one submission).

Conditions:
TTN-related disorder. Also called: TTN-related condition; TTN-related disease; TTN-related disorders.

gnomAD v4.1: 13 of 1,600,068 alleles (0.00081%); highest among the groups gnomAD compares: African/African-American, 0.013%; no homozygotes.

Submission:

PreventionGenetics, part of Exact Sciences
Classification: Uncertain significance for TTN-related condition. Last evaluated: 2025-10-29. Review status: criteria provided, single submitter. Criteria: ACMG Guidelines, 2015. Collection method: clinical testing. Allele origin: germline.
Comment: The TTN c.56422C>T variant is predicted to result in the amino acid substitution p.Pro18808Ser. To our knowledge, this variant has not been reported in the literature. This variant is reported in 0.013% of alleles in individuals of African descent in gnomAD. At this time, the clinical significance of this variant is uncertain due to the absence of conclusive functional and genetic evidence.

NM_001267550.2(TTN):c.56422C>T (p.Pro18808Ser)

Genes: TTN (titin; minus strand), TTN-AS1 (TTN antisense RNA 1; plus strand). Cytogenetic location: 2q31.2.
Variant type: single nucleotide variant.
Coding change: c.56422C>T on transcript NM_001267550.2 (MANE Select); coding-DNA position 56422, C replaced by T.
Protein change: p.Pro18808Ser; replaces proline 18808 with serine.
Molecular consequence: missense variant.
Genome position (GRCh38, 1-based): chr2:178,599,371, G>A on the plus strand (C>T on the coding strand, the complement: TTN is on the minus strand). VCF-style: chr2-178599371-G-A. GRCh37 (hg19) VCF-style: chr2-179464098-G-A.
Other names: c.51499C>T, p.Pro17167Ser (NM_001256850.1); c.29227C>T, p.Pro9743Ser (NM_003319.4); c.48718C>T, p.Pro16240Ser (NM_133378.4); c.29602C>T, p.Pro9868Ser (NM_133432.3); c.29803C>T, p.Pro9935Ser (NM_133437.4); short protein forms P17167S, P9743S, P9868S, P18808S, P16240S, P9935S.
Identifiers: ClinVar variation 4979932 (VCV004979932.1).